The following is an entry in ClinVar:

NM_001040716.2(PC):c.1344G>A (p.Ala448=)

Gene: PC (pyruvate carboxylase; minus strand). Cytogenetic location: 11q13.2.
Variant type: single nucleotide variant.
Coding change: c.1344G>A on transcript NM_001040716.2 (MANE Select); coding-DNA position 1344, G replaced by A.
Protein change: p.Ala448=; no amino-acid change (alanine 448 retained).
Molecular consequence: synonymous variant.
Genome position (GRCh38, 1-based): chr11:66,863,798, C>T on the plus strand (G>A on the coding strand, the complement: PC is on the minus strand). VCF-style: chr11-66863798-C-T. GRCh37 (hg19) VCF-style: chr11-66631269-C-T.
Other names: p.A448A:GCG>GCA; c.1344G>A, p.Ala448= (NM_000920.4, NM_022172.3); c.1344G>A (NM_001040716.1).
Identifiers: ClinVar variation 203909 (VCV000203909.17), dbSNP rs148281644, ClinGen allele CA312887.
Genomic context (GRCh38, chr11:66,863,798, plus strand): 5'-CGGGAGCAAAGGCAGGCGGGGGCTGCAGCCTCTCACCTTCACACCTCGGACGCGGAACTC[C>T]GCAAGGGCCCTGCTCATCTTGGTGGCGGCCGTGGGGTGGTCTTTGCCGTGGGCAATGACT-3'
Protein context (NP_001035806.1, residues 438-458): TAATKMSRAL[Ala448=]EFRVRGVKTN

ClinVar aggregate classification (germline): Benign/Likely benign. Review status: criteria provided, multiple submitters, no conflicts (2 of 4 stars). 4 submissions from 4 submitters: Benign (2); Likely benign (1). 1 of the submissions does not count toward it. Last evaluated 2026-02-01.

Conditions:
PC-related disorder. Also called: PC-related condition.
Pyruvate carboxylase deficiency. Also called: LEIGH NECROTIZING ENCEPHALOPATHY DUE TO PYRUVATE CARBOXYLASE DEFICIENCY; LEIGH SYNDROME DUE TO PYRUVATE CARBOXYLASE DEFICIENCY; PC DEFICIENCY; ATAXIA WITH LACTIC ACIDOSIS II; Pyruvate Carboxylase Deficiency Disease. Identifiers: Orphanet 3008, MedGen C0034341, MONDO:0009949, OMIM 266150.

Allele frequency attached by ClinVar (database versions not stated): gnomAD exomes 0.00033; ExAC 0.00040; gnomAD 0.00148 and 0.00158; ESP Exome Variant Server 0.00162; TOPMed 0.00162; 1000 Genomes Project 0.00220; 1000 Genomes Project 30x 0.00297.
gnomAD v4.1: 405 of 1,612,820 alleles (0.025%); highest among the groups gnomAD compares: African/African-American, 0.42%; 4 homozygotes.

Submissions (4):

Labcorp Genetics (formerly Invitae), Labcorp
Classification: Benign for Pyruvate carboxylase deficiency. Last evaluated: 2026-02-01. Review status: criteria provided, single submitter. Criteria: Invitae Variant Classification Sherloc (09022015). Collection method: clinical testing. Allele origin: germline.

Illumina Laboratory Services, Illumina
Classification: Likely benign for Pyruvate carboxylase deficiency. Last evaluated: 2018-01-13. Review status: criteria provided, single submitter. Criteria: ICSL Variant Classification Criteria 13 December 2019. Collection method: clinical testing. Allele origin: germline.
Comment: This variant was observed in the ICSL laboratory as part of a predisposition screen in an ostensibly healthy population. It had not been previously curated by ICSL or reported in the Human Gene Mutation Database (HGMD: prior to June 1st, 2018), and was therefore a candidate for classification through an automated scoring system. Utilizing variant allele frequency, disease prevalence and penetrance estimates, and inheritance mode, an automated score was calculated to assess if this variant is too frequent to cause the disease. Based on the score and internal cut-off values, a variant classified as likely benign is not then subjected to further curation. The score for this variant resulted in a classification of likely benign for this disease.

GeneDx
Classification: Benign. Last evaluated: 2014-08-27. Review status: criteria provided, single submitter. Criteria: GeneDx Variant Classification (06012015). Collection method: clinical testing. Allele origin: germline. Affected: yes.
Comment: This variant is considered likely benign or benign based on one or more of the following criteria: it is a conservative change, it occurs at a poorly conserved position in the protein, it is predicted to be benign by multiple in silico algorithms, and/or has population frequency not consistent with disease.

PreventionGenetics, part of Exact Sciences
Classification: Likely benign for PC-related condition. Last evaluated: 2021-09-21. Review status: no assertion criteria provided. Collection method: clinical testing. Allele origin: germline. Not counted in ClinVar's aggregate classification.
Comment: This variant is classified as likely benign based on ACMG/AMP sequence variant interpretation guidelines (Richards et al. 2015 PMID: 25741868, with internal and published modifications).